The following is an entry in ClinVar:

NM_004715.5(CTDP1):c.235C>T (p.Pro79Ser)

Gene: CTDP1 (CTD phosphatase subunit 1; plus strand). Cytogenetic location: 18q23.
Variant type: single nucleotide variant.
Coding change: c.235C>T on transcript NM_004715.5 (MANE Select); coding-DNA position 235, C replaced by T.
Protein change: p.Pro79Ser; replaces proline 79 with serine.
Molecular consequence: missense variant.
Genome position (GRCh38, 1-based): chr18:79,680,182, C>T. VCF-style: chr18-79680182-C-T. GRCh37 (hg19) VCF-style: chr18-77440182-C-T.
Other names: c.235C>T, p.Pro79Ser (NM_001318511.2, NM_048368.4); short protein forms P79S.
Identifiers: ClinVar variation 1350526 (VCV001350526.6), dbSNP rs1312562752, ClinGen allele CA402825224.

ClinVar aggregate classification (germline): Uncertain significance (1 of 4 stars; one submission).

Submission:

Labcorp Genetics (formerly Invitae), Labcorp
Classification: Uncertain significance. Last evaluated: 2022-11-08. Review status: criteria provided, single submitter. Criteria: Invitae Variant Classification Sherloc (09022015). Collection method: clinical testing. Allele origin: germline.
Comment: This variant is not present in population databases (gnomAD no frequency). This variant has not been reported in the literature in individuals affected with CTDP1-related conditions. ClinVar contains an entry for this variant (Variation ID: 1350526). Algorithms developed to predict the effect of missense changes on protein structure and function output the following: SIFT: "Tolerated"; PolyPhen-2: "Benign"; Align-GVGD: "Class C0". The serine amino acid residue is found in multiple mammalian species, which suggests that this missense change does not adversely affect protein function. In summary, the available evidence is currently insufficient to determine the role of this variant in disease. Therefore, it has been classified as a Variant of Uncertain Significance. This sequence change replaces proline, which is neutral and non-polar, with serine, which is neutral and polar, at codon 79 of the CTDP1 protein (p.Pro79Ser).